The following is an entry in ClinVar:

ClinVar aggregate classification (germline): Uncertain significance (1 of 4 stars; one submission).

gnomAD v4.1: 1 of 1,613,770 alleles (0.000062%); highest among the groups gnomAD compares: Non-Finnish European, 0.000085%; no homozygotes.

Submission:

Labcorp Genetics (formerly Invitae), Labcorp
Classification: Uncertain significance. Last evaluated: 2025-11-16. Review status: criteria provided, single submitter. Criteria: Invitae Variant Classification Sherloc (09022015). Collection method: clinical testing. Allele origin: germline.
Comment: This sequence change replaces threonine, which is neutral and polar, with alanine, which is neutral and non-polar, at codon 1226 of the LRP6 protein (p.Thr1226Ala). This variant is not present in population databases (gnomAD no frequency). This variant has not been reported in the literature in individuals affected with LRP6-related conditions. An algorithm developed to predict the effect of missense changes on protein structure and function (PolyPhen-2) suggests that this variant is likely to be tolerated. In summary, the available evidence is currently insufficient to determine the role of this variant in disease. Therefore, it has been classified as a Variant of Uncertain Significance.

NM_002336.3(LRP6):c.3676A>G (p.Thr1226Ala)

Gene: LRP6 (LDL receptor related protein 6; minus strand). Cytogenetic location: 12p13.2.
Variant type: single nucleotide variant.
Coding change: c.3676A>G on transcript NM_002336.3 (MANE Select); coding-DNA position 3676, A replaced by G.
Protein change: p.Thr1226Ala; replaces threonine 1226 with alanine.
Molecular consequence: missense variant. On other transcripts: non-coding transcript variant (1), intron variant (1).
Genome position (GRCh38, 1-based): chr12:12,135,232, T>C on the plus strand (A>G on the coding strand, the complement: LRP6 is on the minus strand). VCF-style: chr12-12135232-T-C. GRCh37 (hg19) VCF-style: chr12-12288166-T-C.
Other names: c.3769A>G, p.Thr1257Ala (NM_001414244.1); c.3676A>G, p.Thr1226Ala (NM_001414245.1, NM_001414246.1, NM_001414248.1 and 2 more transcripts); c.3478A>G, p.Thr1160Ala (NM_001414247.1); c.3223A>G, p.Thr1075Ala (NM_001414252.1, NM_001414253.1, NM_001414254.1); c.3169A>G, p.Thr1057Ala (NM_001414255.1); c.3607+3093A>G (NM_001414251.1); short protein forms T1226A, T1257A, T1075A, T1160A, T1057A.
Identifiers: ClinVar variation 4691323 (VCV004691323.1).